The following is an entry in ClinVar:

NM_014000.3(VCL):c.997G>A (p.Asp333Asn)

Gene: VCL (vinculin; plus strand). Cytogenetic location: 10q22.2.
Variant type: single nucleotide variant.
Coding change: c.997G>A on transcript NM_014000.3 (MANE Select); coding-DNA position 997, G replaced by A.
Protein change: p.Asp333Asn; replaces aspartic acid 333 with asparagine.
Molecular consequence: missense variant.
Genome position (GRCh38, 1-based): chr10:74,083,488, G>A. VCF-style: chr10-74083488-G-A. GRCh37 (hg19) VCF-style: chr10-75843246-G-A.
Other names: c.997G>A, p.Asp333Asn (NM_003373.4); short protein forms D333N.
Identifiers: ClinVar variation 1448475 (VCV001448475.8), dbSNP rs778677392, ClinGen allele CA5562898.

ClinVar aggregate classification (germline): Uncertain significance. Review status: criteria provided, multiple submitters, no conflicts (2 of 4 stars). 2 submissions from 2 submitters: Uncertain significance (2). Last evaluated 2025-01-02.

Conditions:
Cardiovascular phenotype. Identifiers: MedGen CN230736.
Dilated cardiomyopathy 1W (CMD1W). Identifiers: Orphanet 154, MedGen C1969639, MONDO:0012667, OMIM 611407.

Allele frequency attached by ClinVar (database versions not stated): gnomAD exomes below 0.00001; TOPMed below 0.00001; ExAC 0.00001; gnomAD 0.00001.
gnomAD v4.1: 1 of 1,613,942 alleles (0.000062%); highest among the groups gnomAD compares: African/African-American, 0.0013%; no homozygotes.

Submissions (2):

Labcorp Genetics (formerly Invitae), Labcorp
Classification: Uncertain significance for Dilated cardiomyopathy 1W. Last evaluated: 2025-01-02. Review status: criteria provided, single submitter. Criteria: Invitae Variant Classification Sherloc (09022015). Collection method: clinical testing. Allele origin: germline.
Comment: This sequence change replaces aspartic acid, which is acidic and polar, with asparagine, which is neutral and polar, at codon 333 of the VCL protein (p.Asp333Asn). This variant is present in population databases (rs778677392, gnomAD 0.007%). This variant has not been reported in the literature in individuals affected with VCL-related conditions. ClinVar contains an entry for this variant (Variation ID: 1448475). An algorithm developed to predict the effect of missense changes on protein structure and function (PolyPhen-2) suggests that this variant is likely to be disruptive. In summary, the available evidence is currently insufficient to determine the role of this variant in disease. Therefore, it has been classified as a Variant of Uncertain Significance.

Ambry Genetics
Classification: Uncertain significance for Cardiovascular phenotype. Last evaluated: 2021-06-25. Review status: criteria provided, single submitter. Criteria: Ambry Variant Classification Scheme 2023. Collection method: clinical testing. Allele origin: germline.
Comment: The p.D333N variant (also known as c.997G>A), located in coding exon 8 of the VCL gene, results from a G to A substitution at nucleotide position 997. The aspartic acid at codon 333 is replaced by asparagine, an amino acid with highly similar properties. This amino acid position is conserved. In addition, this alteration is predicted to be tolerated by in silico analysis. Since supporting evidence is limited at this time, the clinical significance of this alteration remains unclear.